The following is an entry in ClinVar:

ClinVar aggregate classification (germline): Conflicting classifications of pathogenicity. Review status: criteria provided, conflicting classifications (1 of 4 stars). 4 submissions from 4 submitters: Likely pathogenic (1); Uncertain significance (2). 1 of the submissions does not count toward it. Last evaluated 2025-10-28.

Conditions:
6-Pyruvoyl-tetrahydrobiopterin synthase deficiency. Also called: 6-Pyruvoyltetrahydropterin Synthase Deficiency; Hyperphenylalanemia, BH4-deficient, A; Hyperphenylalaninemia due to 6-pyruvoyl-tetrahydropterin synthase deficiency; BH4-deficient hyperphenylalaninemia A; PTS-Related Tetrahydrobiopterin Deficiency; HYPERPHENYLALANINEMIA, TETRAHYDROBIOPTERIN-DEFICIENT, DUE TO PTS DEFICIENCY. Identifiers: Orphanet 13, Orphanet 238583, MedGen C0878676, MONDO:0009863, OMIM 261640.

Allele frequency attached by ClinVar (database versions not stated): gnomAD 0.00001; gnomAD exomes 0.00001; ExAC 0.00002.
gnomAD v4.1: 11 of 1,584,190 alleles (0.00069%); highest among the groups gnomAD compares: Middle Eastern, 0.017%; no homozygotes.

Submissions (4):

Labcorp Genetics (formerly Invitae), Labcorp
Classification: Likely pathogenic for 6-Pyruvoyl-tetrahydrobiopterin synthase deficiency. Last evaluated: 2025-10-28. Review status: criteria provided, single submitter. Criteria: Invitae Variant Classification Sherloc (09022015). Collection method: clinical testing. Allele origin: germline.
Comment: This sequence change replaces serine, which is neutral and polar, with asparagine, which is neutral and polar, at codon 32 of the PTS protein (p.Ser32Asn). This variant is present in population databases (rs374871539, gnomAD 0.002%). This missense change has been observed in individual(s) with clinical features of PTS-related conditions (internal data). ClinVar contains an entry for this variant (Variation ID: 463155). An algorithm developed to predict the effect of missense changes on protein structure and function (PolyPhen-2) suggests that this variant is likely to be tolerated. This variant disrupts the p.Ser32 amino acid residue in PTS. Other variant(s) that disrupt this residue have been determined to be pathogenic (PMID: 31332730, 33822819; internal data). This suggests that this residue is clinically significant, and that variants that disrupt this residue are likely to be disease-causing. In summary, the currently available evidence indicates that the variant is pathogenic, but additional data are needed to prove that conclusively. Therefore, this variant has been classified as Likely Pathogenic.

GeneDx
Classification: Uncertain significance. Last evaluated: 2024-08-19. Review status: criteria provided, single submitter. Criteria: GeneDx Variant Classification Process June 2021. Collection method: clinical testing. Allele origin: germline. Affected: yes.
Comment: Not observed at significant frequency in large population cohorts (gnomAD); In silico analysis supports that this missense variant has a deleterious effect on protein structure/function; Has not been previously published as pathogenic or benign to our knowledge

Blueprint Genetics
Classification: Uncertain significance. Last evaluated: 2023-10-06. Review status: criteria provided, single submitter. Criteria: ACMG Guidelines, 2015. Collection method: clinical testing. Allele origin: germline.

Natera, Inc.
Classification: Uncertain significance for 6-Pyruvoyl-tetrahydrobiopterin synthase deficiency. Last evaluated: 2019-11-11. Review status: no assertion criteria provided. Collection method: clinical testing. Allele origin: germline. Not counted in ClinVar's aggregate classification.

Literature cited by the submitters: PubMed 31332730 (cited by Labcorp Genetics (formerly Invitae), Labcorp); PubMed 33822819 (cited by Labcorp Genetics (formerly Invitae), Labcorp).

NM_000317.3(PTS):c.95G>A (p.Ser32Asn)

Gene: PTS (6-pyruvoyltetrahydropterin synthase; plus strand). Cytogenetic location: 11q23.1.
Variant type: single nucleotide variant.
Coding change: c.95G>A on transcript NM_000317.3 (MANE Select); coding-DNA position 95, G replaced by A.
Protein change: p.Ser32Asn; replaces serine 32 with asparagine.
Molecular consequence: missense variant.
Genome position (GRCh38, 1-based): chr11:112,228,605, G>A. VCF-style: chr11-112228605-G-A. GRCh37 (hg19) VCF-style: chr11-112099328-G-A.
Other names: short protein forms S32N.
Identifiers: ClinVar variation 463155 (VCV000463155.14), dbSNP rs374871539, ClinGen allele CA6278462.
Genomic context (GRCh38, chr11:112,228,605, plus strand): 5'-TGAATGTGATACTTGTGTCATGCTGACTTTTTTTTTTTTTTTTGGTCAGTAAATTTCTAA[G>A]TGATGAAGAAAACTTGAAACTGTTTGGGAAATGCAACAATCCAAATGGCCATGGGCACAA-3'
Protein context (NP_000308.1, residues 22-42): ASHRLYSKFL[Ser32Asn]DEENLKLFGK